The following is an entry in ClinVar:

NM_017617.5(NOTCH1):c.5678del (p.Gly1893fs)

Gene: NOTCH1 (notch receptor 1; minus strand). Cytogenetic location: 9q34.3.
Variant type: Deletion.
Coding change: c.5678del on transcript NM_017617.5 (MANE Select); coding-DNA position 5678, one base deleted (G; older notation c.5678delG).
Protein change: p.Gly1893fs; shifts the reading frame from glycine 1893.
Molecular consequence: frameshift variant.
Genome position (GRCh38, 1-based): chr9:136,500,808, C deleted on the plus strand (G on the coding strand, the reverse complement: NOTCH1 is on the minus strand); the first of 5 consecutive C bases (chr9:136,500,808-136,500,812); deleting any one gives the same sequence. VCF-style (leftmost placement, unchanged base first): chr9-136500807-GC-G. GRCh37 (hg19) VCF-style: chr9-139395259-GC-G.
Other names: short protein forms G1893fs.
Identifiers: ClinVar variation 3384227 (VCV003384227.1).
Genomic context (GRCh38, chr9:136,500,807, plus strand): 5'-GAAGTCGGAGATGACGGCCGGCGCGTCCTCCTCTTCCTCGCTGTTGCCCGTCTCCAGGCC[GC>G]CCCCGCTGCAGGAGGCGATCATGAGCGGGGTGAAGCCATCTGCAGAGGCAGAGACGGGTG-3'

ClinVar aggregate classification (germline): Pathogenic (0 of 4 stars; one submission).

Conditions:
Adams-Oliver syndrome 5 (AOS5). Identifiers: Orphanet 974, MedGen C4014970, MONDO:0014459, OMIM 616028.

Submission:

Clinical Genetics, Synlab MVZ Humangenetik Freiburg
Classification: Pathogenic for Adams-Oliver syndrome 5. Last evaluated: 2024-08-06. Review status: no assertion criteria provided. Collection method: clinical testing. Allele origin: germline. Affected: yes.
Comment: The variant has not previously been described as pathogenic (HGMD Professional 2024.2) and is not listed in